The following is an entry in ClinVar:

NM_001375524.1(TRRAP):c.2200C>G (p.Pro734Ala)

Gene: TRRAP (transformation/transcription domain associated protein; plus strand). Cytogenetic location: 7q22.1.
Variant type: single nucleotide variant.
Coding change: c.2200C>G on transcript NM_001375524.1 (MANE Select); coding-DNA position 2200, C replaced by G.
Protein change: p.Pro734Ala; replaces proline 734 with alanine.
Molecular consequence: missense variant.
Genome position (GRCh38, 1-based): chr7:98,915,723, C>G. VCF-style: chr7-98915723-C-G. GRCh37 (hg19) VCF-style: chr7-98513346-C-G.
Other names: c.2200C>G, p.Pro734Ala (NM_001244580.2, NM_003496.4); short protein forms P734A.
Identifiers: ClinVar variation 4076733 (VCV004076733.1).
Genomic context (GRCh38, chr7:98,915,723, plus strand): 5'-TGGAGGGTATAGACCCTCCTCATTTAGATGCCACTAATCTGCGTCTTCTCCACCCCGCAG[C>G]CTCACTTGCACAAGATTGTGAACAGCTCTATGGAGCTCGCGCAGACTGCCAAGGAACCCT-3'
Protein context (NP_001362453.1, residues 724-744): FAAENEQMLK[Pro734Ala]HLHKIVNSSM

ClinVar aggregate classification (germline): Uncertain significance (1 of 4 stars; one submission).

Submission:

GeneDx
Classification: Uncertain significance. Last evaluated: 2025-02-21. Review status: criteria provided, single submitter. Criteria: GeneDx Variant Classification Process June 2021. Collection method: clinical testing. Allele origin: germline. Affected: yes.
Comment: Not observed at significant frequency in large population cohorts (gnomAD); In silico analysis supports that this missense variant has a deleterious effect on protein structure/function; Has not been previously published as pathogenic or benign to our knowledge